The following is an entry in ClinVar:

NM_018417.6(ADCY10):c.1625C>T (p.Ala542Val)

Gene: ADCY10 (adenylate cyclase 10; minus strand). Cytogenetic location: 1q24.2.
Variant type: single nucleotide variant.
Coding change: c.1625C>T on transcript NM_018417.6 (MANE Select); coding-DNA position 1625, C replaced by T.
Protein change: p.Ala542Val; replaces alanine 542 with valine.
Molecular consequence: missense variant.
Genome position (GRCh38, 1-based): chr1:167,861,055, G>A on the plus strand (C>T on the coding strand, the complement: ADCY10 is on the minus strand). VCF-style: chr1-167861055-G-A. GRCh37 (hg19) VCF-style: chr1-167830293-G-A.
Other names: c.1166C>T, p.Ala389Val (NM_001167749.3); c.1349C>T, p.Ala450Val (NM_001297772.2); short protein forms A542V, A389V, A450V.
Identifiers: ClinVar variation 2830672 (VCV002830672.3), dbSNP rs2525394060, ClinGen allele CA343092180.
Genomic context (GRCh38, chr1:167,861,055, plus strand): 5'-GCCATGAACATCTGGATGGTATAGAAAGTTTGATGGAAGCTGATCTTATTCAATGAAATG[G>A]CAATAATCCTGTTTGTGAGAAAATCAAGAAACAGAAGAGAGTTTTTAAATATATATTTTT-3'
Protein context (NP_060887.2, residues 532-552): LAQGKNHRII[Ala542Val]ISLNKISFHQ

ClinVar aggregate classification (germline): Uncertain significance (1 of 4 stars; one submission).

Submission:

Labcorp Genetics (formerly Invitae), Labcorp
Classification: Uncertain significance. Last evaluated: 2023-07-28. Review status: criteria provided, single submitter. Criteria: Invitae Variant Classification Sherloc (09022015). Collection method: clinical testing. Allele origin: germline.
Comment: In summary, the available evidence is currently insufficient to determine the role of this variant in disease. Therefore, it has been classified as a Variant of Uncertain Significance. An algorithm developed to predict the effect of missense changes on protein structure and function (PolyPhen-2) suggests that this variant is likely to be disruptive. This variant has not been reported in the literature in individuals affected with ADCY10-related conditions. This variant is not present in population databases (gnomAD no frequency). This sequence change replaces alanine, which is neutral and non-polar, with valine, which is neutral and non-polar, at codon 542 of the ADCY10 protein (p.Ala542Val).